The following is an entry in ClinVar:

NM_004360.5(CDH1):c.140_155delinsCGA (p.Glu47fs)

Gene: CDH1 (cadherin 1; plus strand). Cytogenetic location: 16q22.1.
Variant type: Indel.
Coding change: c.140_155delinsCGA on transcript NM_004360.5 (MANE Select); coding-DNA positions 140 to 155, AGAGAGGCCGCGTCCT replaced by CGA.
Protein change: p.Glu47fs; shifts the reading frame from glutamic acid 47.
Molecular consequence: frameshift variant. On other transcripts: 5 prime UTR variant (2).
Genome position (GRCh38, 1-based): chr16:68,738,388-68,738,403, AGAGAGGCCGCGTCCT replaced by CGA. VCF-style: chr16-68738388-AGAGAGGCCGCGTCCT-CGA. GRCh37 (hg19) VCF-style: chr16-68772291-AGAGAGGCCGCGTCCT-CGA.
Other names: c.140_155delinsCGA, p.Glu47fs (NM_001317184.2); c.-1476_-1461delinsCGA (NM_001317185.2); c.-1680_-1665delinsCGA (NM_001317186.2); short protein forms E47fs.
Identifiers: ClinVar variation 1771776 (VCV001771776.2), dbSNP rs2543817181, ClinGen allele CA2580091864.

ClinVar aggregate classification (germline): Pathogenic (1 of 4 stars; one submission).

Conditions:
Hereditary cancer-predisposing syndrome. Also called: Hereditary Cancer Syndrome; Hereditary neoplastic syndrome; Neoplastic Syndromes, Hereditary; Tumor predisposition. Identifiers: Orphanet 140162, MedGen C0027672, MeSH D009386, MONDO:0015356.

Submission:

Ambry Genetics
Classification: Pathogenic for Hereditary cancer-predisposing syndrome. Last evaluated: 2017-08-30. Review status: criteria provided, single submitter. Criteria: Ambry Variant Classification Scheme 2023. Collection method: clinical testing. Allele origin: germline.
Comment: The c.140_155del16insCGA pathogenic mutation, located in coding exon 2 of the CDH1 gene, results from the deletion of 16 nucleotides and insertion of 3 nucleotides causing a translational frameshift with a predicted alternate stop codon (p.E47Afs*5). This alteration is expected to result in loss of function by premature protein truncation or nonsense-mediated mRNA decay. As such, this alteration is interpreted as a disease-causing mutation.